The following is an entry in ClinVar:

NM_000283.4(PDE6B):c.2291C>T (p.Ala764Val)

Gene: PDE6B (phosphodiesterase 6B; plus strand). Cytogenetic location: 4p16.3.
Variant type: single nucleotide variant.
Coding change: c.2291C>T on transcript NM_000283.4 (MANE Select); coding-DNA position 2291, C replaced by T.
Protein change: p.Ala764Val; replaces alanine 764 with valine.
Molecular consequence: missense variant.
Genome position (GRCh38, 1-based): chr4:666,553, C>T. VCF-style: chr4-666553-C-T. GRCh37 (hg19) VCF-style: chr4-660342-C-T.
Other names: c.2291C>T, p.Ala764Val (NM_001145291.2); c.1454C>T, p.Ala485Val (NM_001145292.2, NM_001350154.3, NM_001379246.1 and 1 more transcripts); c.1136C>T, p.Ala379Val (NM_001350155.3); short protein forms A485V, A379V, A764V.
Identifiers: ClinVar variation 1973983 (VCV001973983.6), dbSNP rs750939302, ClinGen allele CA2794996.
Genomic context (GRCh38, chr4:666,553, plus strand): 5'-CTGGTCACTGTTCTCCCGCCCTCTGTTCCTCCCACCAGCCTATGATGGACCGGAACAAGG[C>T]GGCCGAGCTCCCCAAGCTGCAAGTGGGCTTCATCGACTTCGTGTGCACATTCGTGTACAA-3'
Protein context (NP_000274.3, residues 754-774): QPIPMMDRNK[Ala764Val]AELPKLQVGF

ClinVar aggregate classification (germline): Uncertain significance. Review status: criteria provided, multiple submitters, no conflicts (2 of 4 stars). 2 submissions from 2 submitters: Uncertain significance (2). Last evaluated 2021-12-29.

Allele frequency attached by ClinVar (database versions not stated): ExAC 0.00002; gnomAD 0.00002; TOPMed 0.00002.
gnomAD v4.1: 33 of 1,612,386 alleles (0.002%); highest among the groups gnomAD compares: South Asian, 0.0044%; no homozygotes.

Submissions (2):

Labcorp Genetics (formerly Invitae), Labcorp
Classification: Uncertain significance. Last evaluated: 2021-12-29. Review status: criteria provided, single submitter. Criteria: Invitae Variant Classification Sherloc (09022015). Collection method: clinical testing. Allele origin: germline.
Comment: In summary, the available evidence is currently insufficient to determine the role of this variant in disease. Therefore, it has been classified as a Variant of Uncertain Significance. Algorithms developed to predict the effect of sequence changes on RNA splicing suggest that this variant may create or strengthen a splice site. Algorithms developed to predict the effect of missense changes on protein structure and function are either unavailable or do not agree on the potential impact of this missense change (SIFT: "Tolerated"; PolyPhen-2: "Probably Damaging"; Align-GVGD: "Class C0"). This variant has not been reported in the literature in individuals affected with PDE6B-related conditions. This variant is present in population databases (rs750939302, gnomAD 0.01%). This sequence change replaces alanine, which is neutral and non-polar, with valine, which is neutral and non-polar, at codon 764 of the PDE6B protein (p.Ala764Val).

Blueprint Genetics
Classification: Uncertain significance. Last evaluated: 2019-11-07. Review status: criteria provided, single submitter. Criteria: ACMG Guidelines, 2015. Collection method: clinical testing. Allele origin: germline.